The following continues an entry in ClinVar:

NM_000059.4(BRCA2):c.3170_3174del (p.Lys1057fs)

Gene: BRCA2. ClinVar aggregate classification (germline): Pathogenic. Pathogenic (1).

Submissions 22 to 31 of 31:

Department of Pathology and Molecular Medicine, Queen's University
Classification: Pathogenic for Hereditary breast ovarian cancer syndrome. Last evaluated: 2017-04-20. Review status: criteria provided, single submitter. Criteria: ACMG Guidelines, 2015. Collection method: clinical testing. Allele origin: germline. Study: The Canadian Open Genetics Repository (COGR). Not counted in ClinVar's aggregate classification.

Cancer Genetics and Genomics Laboratory, British Columbia Cancer Agency
Classification: Pathogenic for Hereditary breast ovarian cancer syndrome. Last evaluated: 2017-04-18. Review status: criteria provided, single submitter. Criteria: ACMG Guidelines, 2015. Collection method: clinical testing. Allele origin: germline. Study: The Canadian Open Genetics Repository (COGR). Not counted in ClinVar's aggregate classification.

Consortium of Investigators of Modifiers of BRCA1/2 (CIMBA), c/o University of Cambridge
Classification: Pathogenic for Breast-ovarian cancer, familial, susceptibility to, 2. Last evaluated: 2015-10-02. Review status: criteria provided, single submitter. Criteria: CIMBA Mutation Classification guidelines May 2016. Collection method: clinical testing. Allele origin: germline. Not counted in ClinVar's aggregate classification.

BRCAlab, Lund University
Classification: Pathogenic for Breast-ovarian cancer, familial, susceptibility to, 2. Last evaluated: 2022-08-26. Review status: no assertion criteria provided. Collection method: clinical testing. Allele origin: germline. Affected: yes. Not counted in ClinVar's aggregate classification.

Counsyl
Classification: Pathogenic for Breast-ovarian cancer, familial, susceptibility to, 2. Last evaluated: 2016-08-23. Review status: no assertion criteria provided. Collection method: clinical testing. Allele origin: unknown. Not counted in ClinVar's aggregate classification.

Foulkes Cancer Genetics LDI, Lady Davis Institute for Medical Research
Classification: Pathogenic for Breast and/or ovarian cancer. Last evaluated: 2015-10-02. Review status: no assertion criteria provided. Collection method: clinical testing. Allele origin: germline. Study: The Canadian Open Genetics Repository (COGR). Not counted in ClinVar's aggregate classification.

Research Molecular Genetics Laboratory, Women's College Hospital, University of Toronto
Classification: Pathogenic for Hereditary breast ovarian cancer syndrome. Last evaluated: 2014-01-31. Review status: no assertion criteria provided. Collection method: research. Allele origin: germline. Affected: yes. Study: The Canadian Open Genetics Repository (COGR). Not counted in ClinVar's aggregate classification.

Sharing Clinical Reports Project (SCRP)
Classification: Pathogenic for Breast-ovarian cancer, familial 2. Last evaluated: 2013-01-31. Review status: no assertion criteria provided. Collection method: clinical testing. Allele origin: germline. Not counted in ClinVar's aggregate classification.

Breast Cancer Information Core (BIC) (BRCA2)
Classification: Pathogenic for Breast-ovarian cancer, familial 2. Last evaluated: 2004-02-20. Review status: no assertion criteria provided. Collection method: clinical testing. Allele origin: germline. Affected: yes. Observed: 11 variant alleles. Not counted in ClinVar's aggregate classification.

Department of Pathology and Laboratory Medicine, Sinai Health System
Classification: Pathogenic for Malignant tumor of breast. Review status: no assertion criteria provided. Collection method: clinical testing. Allele origin: unknown. Affected: yes. Observed: 12 variant alleles. Study: The Canadian Open Genetics Repository (COGR). Not counted in ClinVar's aggregate classification.
Comment: The BRCA2 p.Lys1057ThrfsX8 variant was identified in 26 of 11800 proband chromosomes (frequency: 0.002) from individuals or families with breast, ovarian, and metastatic prostate cancer (Lubinski 2004 PMID:15131399, Oros 2006 PMID:16539696, Oros 2004 PMID:15382066, Ghadirian 2009 PMID:19863560, Claus 2005 PMID:15728167, Pritchard 2016 PMID:27433846, Kang 2015 PMID:25863477, Belanger 2015 PMID:25884701). The variant was also identified in the following databases: dbSNP (ID: rs781096360) as â€šÃ„ÃºWith Pathogenic alleleâ€šÃ„Ã¹, ClinVar (14x as pathogenic by ENIGMA, CIMBA, Counsyl, COGR, Invitae, Ambry, GeneDx, Quest Diagnostics, Color Genomics, SCRP, BIC), Clinvitae (4x as pathogenic by ClinVar, Invitae), LOVD 3.0 (1x, with a pathogenicity prediction as "affects function"), UMD-LSDB (5 x as a causal variant), BIC Database (11x with clinical importance) and ARUP Laboratories (1x, as "5-definitely pathogenic"). The variant was not identified in Cosmic, MutDB and Zhejiang Colon Cancer Databases. The variant was also identified by our laboratory in 8 individuals with breast or ovarian cancer. The p.Lys1057ThrfsX8 variant is described in the literature as a recurrent mutation in French Canadian cohorts, with haplotype analyses suggesting that this may be a founder mutation in this population (Oros 2004 PMID:15382066, Oros 2006 PMID:16539696, Ghadirian 2009 PMID:19863560, Janavicius 2010 PMID:23199084, Belanger 2015 PMID:25884701). The variant was not identified in the following control databases: the 1000 Genomes Project, the NHLBI GO Exome Sequencing Project, the Exome Aggregation Consortium (August 8th 2016), or the Genome Aggregation Database (Feb 27, 2017). The c.3170_3174del variant is predicted to cause a frameshift, which alters the protein's amino acid sequence beginning at codon 1057 and leads to a premature stop codon, 8 codons downstream. This alteration is then predicted to result in a truncated or absent protein and loss of function. Loss of function variants of the BRCA2 gene are an established mechanism of disease in BRCA2 related cancers and is the type of variant expected to cause the disorder. In summary, based on the above information this variant meets our laboratoryâ€šÃ„Ã´s criteria to be classified as pathogenic.

Literature cited by the submitters: PubMed 20104584 (cited by Labcorp Genetics (formerly Invitae), Labcorp and GeneKor MSA); PubMed 15131399 (cited by 5 submitters); PubMed 15382066 (cited by 4 submitters); PubMed 16539696 (cited by 8 submitters); PubMed 20694749 (cited by 4 submitters); PubMed 23621881 (cited by 6 submitters); PubMed 25863477 (cited by 6 submitters); PubMed 25864590 (cited by 5 submitters); PubMed 26296701 (cited by 8 submitters); PubMed 27433846 (cited by 7 submitters); PubMed 20301425 (cited by Variantyx, Inc.); PubMed 19863560 (cited by Ambry Genetics); PubMed 23199084 (cited by Ambry Genetics and GeneKor MSA); PubMed 29084914 (cited by 8 submitters); PubMed 23479189 (cited by 4 submitters); PubMed 33471991 (cited by 3 submitters); PubMed 35547873 (cited by 3 submitters); PubMed 15728167 (cited by Mayo Clinic Laboratories, Mayo Clinic and Quest Diagnostics Nichols Institute San Juan Capistrano); PubMed 31853058 (cited by Mayo Clinic Laboratories, Mayo Clinic); PubMed 37310942 (cited by Mayo Clinic Laboratories, Mayo Clinic); PubMed 28724667 (cited by Quest Diagnostics Nichols Institute San Juan Capistrano and Laboratory for Molecular Medicine, Mass General Brigham Personalized Medicine); PubMed 32885271 (cited by Quest Diagnostics Nichols Institute San Juan Capistrano); PubMed 26295337 (cited by Quest Diagnostics Nichols Institute San Juan Capistrano); PubMed 25884701 (cited by Laboratory for Molecular Medicine, Mass General Brigham Personalized Medicine).